The following is an entry in ClinVar:

NM_018139.3(DNAAF2):c.673C>T (p.Pro225Ser)

Gene: DNAAF2 (dynein axonemal assembly factor 2; minus strand). Cytogenetic location: 14q21.3.
Variant type: single nucleotide variant.
Coding change: c.673C>T on transcript NM_018139.3 (MANE Select); coding-DNA position 673, C replaced by T.
Protein change: p.Pro225Ser; replaces proline 225 with serine.
Molecular consequence: missense variant.
Genome position (GRCh38, 1-based): chr14:49,634,477, G>A on the plus strand (C>T on the coding strand, the complement: DNAAF2 is on the minus strand). VCF-style: chr14-49634477-G-A. GRCh37 (hg19) VCF-style: chr14-50101195-G-A.
Other names: c.673C>T, p.Pro225Ser (NM_001083908.2); short protein forms P225S.
Identifiers: ClinVar variation 1015953 (VCV001015953.9), dbSNP rs752558578, ClinGen allele CA7173057.

ClinVar aggregate classification (germline): Uncertain significance (1 of 4 stars; one submission).

Conditions:
Primary ciliary dyskinesia. Also called: Ciliary dyskinesia. Identifiers: Orphanet 244, MedGen C0008780, MONDO:0016575, HP:0012265.

Allele frequency attached by ClinVar (database versions not stated): ExAC 0.00002.
gnomAD v4.1: 13 of 1,581,320 alleles (0.00082%); highest among the groups gnomAD compares: African/African-American, 0.0013%; 1 homozygote.

Submission:

Labcorp Genetics (formerly Invitae), Labcorp
Classification: Uncertain significance for Primary ciliary dyskinesia. Last evaluated: 2020-10-19. Review status: criteria provided, single submitter. Criteria: Invitae Variant Classification Sherloc (09022015). Collection method: clinical testing. Allele origin: germline.
Comment: In summary, the available evidence is currently insufficient to determine the role of this variant in disease. Therefore, it has been classified as a Variant of Uncertain Significance. Algorithms developed to predict the effect of missense changes on protein structure and function are either unavailable or do not agree on the potential impact of this missense change (SIFT: "Deleterious"; PolyPhen-2: "Possibly Damaging"; Align-GVGD: "Class C0"). This variant has not been reported in the literature in individuals with DNAAF2-related conditions. This variant is present in population databases (rs752558578, ExAC 0.004%). This sequence change replaces proline with serine at codon 225 of the DNAAF2 protein (p.Pro225Ser). The proline residue is moderately conserved and there is a moderate physicochemical difference between proline and serine.